The following is an entry in ClinVar:

NM_020376.4(PNPLA2):c.409G>A (p.Glu137Lys)

Gene: PNPLA2 (patatin like domain 2, triacylglycerol lipase; plus strand). Cytogenetic location: 11p15.5.
Variant type: single nucleotide variant.
Coding change: c.409G>A on transcript NM_020376.4 (MANE Select); coding-DNA position 409, G replaced by A.
Protein change: p.Glu137Lys; replaces glutamic acid 137 with lysine.
Molecular consequence: missense variant.
Genome position (GRCh38, 1-based): chr11:821,849, G>A. VCF-style: chr11-821849-G-A. GRCh37 (hg19) VCF-style: chr11-821849-G-A.
Other names: short protein forms E137K.
Identifiers: ClinVar variation 1054376 (VCV001054376.6), dbSNP rs375693983, ClinGen allele CA5790960.

ClinVar aggregate classification (germline): Uncertain significance (1 of 4 stars; one submission).

Conditions:
Neutral lipid storage myopathy (NLSDM). Also called: NEUTRAL LIPID STORAGE DISEASE WITHOUT ICHTHYOSIS. Identifiers: Orphanet 98908, MedGen C1853136, MONDO:0012545, OMIM 610717.

Allele frequency attached by ClinVar (database versions not stated): TOPMed below 0.00001; ExAC 0.00001; gnomAD 0.00001; gnomAD exomes 0.00001; ESP Exome Variant Server 0.00008.
gnomAD v4.1: 9 of 1,613,616 alleles (0.00056%); highest among the groups gnomAD compares: Middle Eastern, 0.016%; no homozygotes.

Submission:

Labcorp Genetics (formerly Invitae), Labcorp
Classification: Uncertain significance for Neutral lipid storage myopathy. Last evaluated: 2021-08-26. Review status: criteria provided, single submitter. Criteria: Invitae Variant Classification Sherloc (09022015). Collection method: clinical testing. Allele origin: germline.
Comment: This sequence change replaces glutamic acid with lysine at codon 137 of the PNPLA2 protein (p.Glu137Lys). The glutamic acid residue is highly conserved and there is a small physicochemical difference between glutamic acid and lysine. This variant is present in population databases (rs375693983, ExAC 0.002%). This variant has not been reported in the literature in individuals affected with PNPLA2-related conditions. Algorithms developed to predict the effect of missense changes on protein structure and function are either unavailable or do not agree on the potential impact of this missense change (SIFT: "Deleterious"; PolyPhen-2: "Probably Damaging"; Align-GVGD: "Class C15"). In summary, the available evidence is currently insufficient to determine the role of this variant in disease. Therefore, it has been classified as a Variant of Uncertain Significance.